The following is an entry in ClinVar:

NM_014780.5(CUL7):c.4898C>T (p.Thr1633Met)

Gene: CUL7 (cullin 7; minus strand). Cytogenetic location: 6p21.1.
Variant type: single nucleotide variant.
Coding change: c.4898C>T on transcript NM_014780.5 (MANE Select); coding-DNA position 4898, C replaced by T.
Protein change: p.Thr1633Met; replaces threonine 1633 with methionine.
Molecular consequence: missense variant.
Genome position (GRCh38, 1-based): chr6:43,037,887, G>A on the plus strand (C>T on the coding strand, the complement: CUL7 is on the minus strand). VCF-style: chr6-43037887-G-A. GRCh37 (hg19) VCF-style: chr6-43005625-G-A.
Other names: c.4994C>T, p.Thr1665Met (NM_001168370.2, NM_001374872.1); c.4910C>T, p.Thr1637Met (NM_001374873.1); c.4895C>T, p.Thr1632Met (NM_001374874.1); short protein forms T1633M, T1632M, T1637M, T1665M.
Identifiers: ClinVar variation 284352 (VCV000284352.17), dbSNP rs139249497, ClinGen allele CA3813084.
Genomic context (GRCh38, chr6:43,037,887, plus strand): 5'-ATGACAGTCACAGGGACTGCATAGGACAGCACCTGGGGCCGGTCGTCATGGCGTCTCAGC[G>A]TGCCCTTGCCCAGGAGGTGTAGGATGCAGGAGAGGACGTCAGTGCTGCTGCATGCAGACC-3'
Protein context (NP_055595.2, residues 1623-1643): SCILHLLGKG[Thr1633Met]LRRHDDRPQV

ClinVar aggregate classification (germline): Benign. Review status: criteria provided, multiple submitters, no conflicts (2 of 4 stars). 3 submissions from 3 submitters: Benign (3). Last evaluated 2026-02-04.

Conditions:
3M syndrome 1. Also called: 3-M Syndrome, CUL7-Related. Identifiers: Orphanet 2616, MedGen C2678312, MONDO:0010117, OMIM 273750.

Allele frequency attached by ClinVar (database versions not stated): gnomAD exomes 0.00057 and 0.00216; gnomAD 0.00063 and 0.00088; TOPMed 0.00084; ExAC 0.00196; 1000 Genomes Project 30x 0.00625; 1000 Genomes Project 0.00679.
gnomAD v4.1: 1,034 of 1,613,630 alleles (0.064%); highest among the groups gnomAD compares: East Asian, 2%; 9 homozygotes.

Submissions (3):

Labcorp Genetics (formerly Invitae), Labcorp
Classification: Benign. Last evaluated: 2026-02-04. Review status: criteria provided, single submitter. Criteria: Invitae Variant Classification Sherloc (09022015). Collection method: clinical testing. Allele origin: germline.

Illumina Laboratory Services, Illumina
Classification: Benign for 3M syndrome 1. Last evaluated: 2018-01-13. Review status: criteria provided, single submitter. Criteria: ICSL Variant Classification Criteria 13 December 2019. Collection method: clinical testing. Allele origin: germline.
Comment: This variant was observed in the ICSL laboratory as part of a predisposition screen in an ostensibly healthy population. It had not been previously curated by ICSL or reported in the Human Gene Mutation Database (HGMD: prior to June 1st, 2018), and was therefore a candidate for classification through an automated scoring system. Utilizing variant allele frequency, disease prevalence and penetrance estimates, and inheritance mode, an automated score was calculated to assess if this variant is too frequent to cause the disease. Based on the score and internal cut-off values, a variant classified as benign is not then subjected to further curation. The score for this variant resulted in a classification of benign for this disease.

Eurofins Ntd Llc (ga)
Classification: Benign. Last evaluated: 2015-11-06. Review status: criteria provided, single submitter. Criteria: EGL Classification Definitions 2015. Collection method: clinical testing. Allele origin: germline.